The following is an entry in ClinVar:

NM_014679.5(CEP57):c.32G>T (p.Gly11Val)

Genes: CEP57 (centrosomal protein 57; plus strand), LOC130006618 (ATAC-STARR-seq lymphoblastoid active region 5417; plus strand). Cytogenetic location: 11q21.
Variant type: single nucleotide variant.
Coding change: c.32G>T on transcript NM_014679.5 (MANE Select); coding-DNA position 32, G replaced by T.
Protein change: p.Gly11Val; replaces glycine 11 with valine.
Molecular consequence: missense variant. On other transcripts: 5 prime UTR variant (2).
Genome position (GRCh38, 1-based): chr11:95,790,730, G>T. VCF-style: chr11-95790730-G-T. GRCh37 (hg19) VCF-style: chr11-95523894-G-T.
Other names: c.-40G>T (NM_001243776.2); c.32G>T, p.Gly11Val (NM_001243777.2); c.-363G>T (NM_001363604.2); c.32G>T (NM_014679.4); short protein forms G11V.
Identifiers: ClinVar variation 1055005 (VCV001055005.11), dbSNP rs2135220118, ClinGen allele CA382413182.

ClinVar aggregate classification (germline): Uncertain significance. Review status: criteria provided, multiple submitters, no conflicts (2 of 4 stars). 2 submissions from 2 submitters: Uncertain significance (2). Last evaluated 2025-03-02.

Conditions:
Inborn genetic diseases. Identifiers: MedGen C0950123, MeSH D030342.
Mosaic variegated aneuploidy syndrome 2 (MVA2). Identifiers: Orphanet 1052, MedGen C3279843, MONDO:0013582, OMIM 614114.

Submissions (2):

Ambry Genetics
Classification: Uncertain significance for Inborn genetic diseases. Last evaluated: 2025-03-02. Review status: criteria provided, single submitter. Criteria: Ambry Variant Classification Scheme 2023. Collection method: clinical testing. Allele origin: germline.
Comment: The p.G11V variant (also known as c.32G>T), located in coding exon 1 of the CEP57 gene, results from a G to T substitution at nucleotide position 32. The glycine at codon 11 is replaced by valine, an amino acid with dissimilar properties. This amino acid position is conserved. In addition, this alteration is predicted to be tolerated by in silico analysis. Based on the available evidence, the clinical significance of this variant remains unclear.

Labcorp Genetics (formerly Invitae), Labcorp
Classification: Uncertain significance for Mosaic variegated aneuploidy syndrome 2. Last evaluated: 2024-07-03. Review status: criteria provided, single submitter. Criteria: Invitae Variant Classification Sherloc (09022015). Collection method: clinical testing. Allele origin: germline.
Comment: This sequence change replaces glycine, which is neutral and non-polar, with valine, which is neutral and non-polar, at codon 11 of the CEP57 protein (p.Gly11Val). This variant is not present in population databases (gnomAD no frequency). This variant has not been reported in the literature in individuals affected with CEP57-related conditions. ClinVar contains an entry for this variant (Variation ID: 1055005). Experimental studies and prediction algorithms are not available or were not evaluated, and the functional significance of this variant is currently unknown. In summary, the available evidence is currently insufficient to determine the role of this variant in disease. Therefore, it has been classified as a Variant of Uncertain Significance.